The following is an entry in ClinVar:

ClinVar aggregate classification (germline): Conflicting classifications of pathogenicity. Review status: criteria provided, conflicting classifications (1 of 4 stars). 3 submissions from 3 submitters: Uncertain significance (2); Benign (1). Last evaluated 2026-03-12.

Conditions:
Marfan syndrome (MFS). Also called: FBN1-Related Marfan Syndrome; MARFAN SYNDROME, TYPE I; Marfan syndrome type 1; Marfan's syndrome; Marfan syndrome, classic. Identifiers: Orphanet 284963, Orphanet 558, MedGen C0024796, MONDO:0007947, OMIM 154700.
Familial thoracic aortic aneurysm and aortic dissection (TAAD). Also called: Thoracic aortic aneurysms and dissections. Identifiers: Orphanet 91387, MedGen C4707243, MONDO:0019625.

Allele frequency attached by ClinVar (database versions not stated): gnomAD 0.00001; ESP Exome Variant Server 0.00008; gnomAD exomes below 0.00001; ExAC 0.00001; TOPMed 0.00002.
gnomAD v4.1: 4 of 1,614,114 alleles (0.00025%); highest among the groups gnomAD compares: African/African-American, 0.0053%; no homozygotes.

Submissions (3):

GeneDx
Classification: Uncertain significance. Last evaluated: 2026-03-12. Review status: criteria provided, single submitter. Criteria: GeneDx Variant Classification Process June 2021. Collection method: clinical testing. Allele origin: germline.
Comment: Not observed at significant frequency in large population cohorts (gnomAD); In silico analysis supports that this missense variant has a deleterious effect on protein structure/function; Has not been previously published as pathogenic or benign to our knowledge; Does not affect a cysteine or calcium-binding residue within an EGF-like domain or a TGF-binding protein domain of the FBN1 gene; cysteine substitutions in the EGF-like domains represent the majority of pathogenic missense changes associated with FBN1-related disorders (PMID: 12938084); This variant is associated with the following publications: (PMID: 12938084)

Ambry Genetics
Classification: Uncertain significance for Familial thoracic aortic aneurysm and aortic dissection. Last evaluated: 2026-03-03. Review status: criteria provided, single submitter. Criteria: Ambry Variant Classification Scheme 2023. Collection method: clinical testing. Allele origin: germline.

Labcorp Genetics (formerly Invitae), Labcorp
Classification: Benign for Marfan syndrome; Familial thoracic aortic aneurysm and aortic dissection. Last evaluated: 2024-10-07. Review status: criteria provided, single submitter. Criteria: Invitae Variant Classification Sherloc (09022015). Collection method: clinical testing. Allele origin: germline.

NM_000138.5(FBN1):c.3452C>T (p.Ser1151Phe)

Gene: FBN1 (fibrillin 1; minus strand). Cytogenetic location: 15q21.1.
Variant type: single nucleotide variant.
Coding change: c.3452C>T on transcript NM_000138.5 (MANE Select); coding-DNA position 3452, C replaced by T.
Protein change: p.Ser1151Phe; replaces serine 1151 with phenylalanine.
Molecular consequence: missense variant.
Genome position (GRCh38, 1-based): chr15:48,487,323, G>A on the plus strand (C>T on the coding strand, the complement: FBN1 is on the minus strand). VCF-style: chr15-48487323-G-A. GRCh37 (hg19) VCF-style: chr15-48779520-G-A.
Other names: c.3452C>T (NM_000138.4); short protein forms S1151F.
Identifiers: ClinVar variation 1060096 (VCV001060096.11), dbSNP rs145146283, ClinGen allele CA050618.